The following is an entry in ClinVar:

ClinVar aggregate classification (germline): Uncertain significance (1 of 4 stars; one submission).

Submission:

Ambry Genetics
Classification: Uncertain significance. Last evaluated: 2023-12-01. Review status: criteria provided, single submitter. Criteria: Ambry Variant Classification Scheme 2023. Collection method: clinical testing. Allele origin: germline.
Comment: The p.D296E variant (also known as c.888T>G), located in coding exon 9 of the KIF1B gene, results from a T to G substitution at nucleotide position 888. The aspartic acid at codon 296 is replaced by glutamic acid, an amino acid with highly similar properties. This amino acid position is conserved. In addition, this alteration is predicted to be tolerated by in silico analysis. Since supporting evidence is limited at this time, the clinical significance of this alteration remains unclear.

NM_001365951.3(KIF1B):c.906T>G (p.Asp302Glu)

Gene: KIF1B (kinesin family member 1B; plus strand). Cytogenetic location: 1p36.22.
Variant type: single nucleotide variant.
Coding change: c.906T>G on transcript NM_001365951.3 (MANE Select); coding-DNA position 906, T replaced by G.
Protein change: p.Asp302Glu; replaces aspartic acid 302 with glutamic acid.
Molecular consequence: missense variant.
Genome position (GRCh38, 1-based): chr1:10,275,451, T>G. VCF-style: chr1-10275451-T-G. GRCh37 (hg19) VCF-style: chr1-10335509-T-G.
Other names: c.906T>G, p.Asp302Glu (NM_001365952.1); c.888T>G, p.Asp296Glu (NM_001365953.1, NM_015074.3, NM_183416.4); short protein forms D296E, D302E.
Identifiers: ClinVar variation 3226564 (VCV003226564.1), dbSNP rs2521148727, ClinGen allele CA338332513.